The following is an entry in ClinVar:

ClinVar aggregate classification (germline): Uncertain significance (1 of 4 stars; one submission).

Conditions:
Inborn genetic diseases. Identifiers: MedGen C0950123, MeSH D030342.

Submission:

Ambry Genetics
Classification: Uncertain significance for Inborn genetic diseases. Last evaluated: 2024-01-25. Review status: criteria provided, single submitter. Criteria: Ambry Variant Classification Scheme 2023. Collection method: clinical testing. Allele origin: germline.
Comment: The p.L180F variant (also known as c.538C>T), located in coding exon 6 of the RAD51 gene, results from a C to T substitution at nucleotide position 538. The leucine at codon 180 is replaced by phenylalanine, an amino acid with highly similar properties. This amino acid position is conserved. In addition, the in silico prediction for this alteration is inconclusive. Based on the available evidence, the clinical significance of this alteration remains unclear.

NM_002875.5(RAD51):c.538C>T (p.Leu180Phe)

Gene: RAD51 (RAD51 recombinase; plus strand). Cytogenetic location: 15q15.1.
Variant type: single nucleotide variant.
Coding change: c.538C>T on transcript NM_002875.5 (MANE Select); coding-DNA position 538, C replaced by T.
Protein change: p.Leu180Phe; replaces leucine 180 with phenylalanine.
Molecular consequence: missense variant.
Genome position (GRCh38, 1-based): chr15:40,728,718, C>T. VCF-style: chr15-40728718-C-T. GRCh37 (hg19) VCF-style: chr15-41020916-C-T.
Other names: c.541C>T, p.Leu181Phe (NM_001164269.2, NM_133487.4); c.538C>T, p.Leu180Phe (NM_001164270.2); short protein forms L180F, L181F.
Identifiers: ClinVar variation 3222860 (VCV003222860.1), dbSNP rs1210342872, ClinGen allele CA391757060.